The following is an entry in ClinVar:

NM_024675.4(PALB2):c.1951G>T (p.Gly651Ter)

Gene: PALB2 (partner and localizer of BRCA2; minus strand). Cytogenetic location: 16p12.2.
Variant type: single nucleotide variant.
Coding change: c.1951G>T on transcript NM_024675.4 (MANE Select); coding-DNA position 1951, G replaced by T.
Protein change: p.Gly651Ter; replaces glycine 651 with a stop codon.
Molecular consequence: nonsense. On other transcripts: intron variant (1).
Genome position (GRCh38, 1-based): chr16:23,630,203, C>A on the plus strand (G>T on the coding strand, the complement: PALB2 is on the minus strand). VCF-style: chr16-23630203-C-A. GRCh37 (hg19) VCF-style: chr16-23641524-C-A.
Other names: c.1891G>T, p.Gly631Ter (NM_001407296.1); c.1951G>T, p.Gly651Ter (NM_001407297.1, NM_001407298.1, NM_001407299.1 and 3 more transcripts); c.1066G>T, p.Gly356Ter (NM_001407304.1, NM_001407305.1, NM_001407306.1 and 5 more transcripts); c.163G>T, p.Gly55Ter (NM_001407312.1, NM_001407313.1); c.49-928G>T (NM_001407314.1); short protein forms G356*, G55*, G651*, G631*.
Identifiers: ClinVar variation 3662087 (VCV003662087.2).

ClinVar aggregate classification (germline): Pathogenic (1 of 4 stars; one submission).

Conditions:
Familial cancer of breast. Also called: Hereditary breast cancer; hereditary breast carcinoma; BREAST CANCER, FAMILIAL. Identifiers: Orphanet 227535, MedGen C0346153, MONDO:0016419, OMIM 114480. Disease mechanism: loss of function.

Submission:

Labcorp Genetics (formerly Invitae), Labcorp
Classification: Pathogenic for Familial cancer of breast. Last evaluated: 2024-08-12. Review status: criteria provided, single submitter. Criteria: Invitae Variant Classification Sherloc (09022015). Collection method: clinical testing. Allele origin: germline.
Comment: This sequence change creates a premature translational stop signal (p.Gly651*) in the PALB2 gene. It is expected to result in an absent or disrupted protein product. Loss-of-function variants in PALB2 are known to be pathogenic (PMID: 17200668, 17200671, 17200672, 24136930, 25099575). This variant is not present in population databases (gnomAD no frequency). This variant has not been reported in the literature in individuals affected with PALB2-related conditions. For these reasons, this variant has been classified as Pathogenic.

Literature cited by the submitters: PubMed 17200668; PubMed 17200671; PubMed 17200672; PubMed 24136930; PubMed 25099575.